The following is an entry in ClinVar:

NM_138459.5(NUS1):c.234_280dup (p.Leu94fs)

Gene: NUS1 (NUS1 dehydrodolichyl diphosphate synthase subunit; plus strand). Cytogenetic location: 6q22.1.
Variant type: Duplication.
Coding change: c.234_280dup on transcript NM_138459.5 (MANE Select); coding-DNA positions 234 to 280, 47 bases duplicated.
Protein change: p.Leu94fs; shifts the reading frame from leucine 94.
Molecular consequence: frameshift variant.
Genome position (GRCh38, 1-based): chr6:117,675,904-117,675,950, 47 bases duplicated; duplicating any 47 consecutive bases within chr6:117,675,901-117,675,950 gives the same sequence; the c. name uses the placement nearest the transcript's 3' end. GRCh37 (hg19): chr6:117,997,067-117,997,113.
Other names: short protein forms L94fs.
Identifiers: ClinVar variation 2747349 (VCV002747349.3), dbSNP rs2481983161, ClinGen allele CA2697553658.
Genomic context (GRCh38, chr6:117,675,900, plus strand): 5'-GCAAGCCCCCGGCAGTCGGCAGGAACCGCCGTCACCACCGGCACCCGCGCGGGGGGTCGT[G>GCCTGGCAGCCGCACACCACCGGATGCGCTGGCGCGCGGACGGTCGTT]CCTGGCAGCCGCACACCACCGGATGCGCTGGCGCGCGGACGGTCGTTCCTTGGAGAAGCT-3'

ClinVar aggregate classification (germline): Pathogenic (1 of 4 stars; one submission).

Conditions:
Congenital disorder of glycosylation, type Iaa. Also called: Congenital disorder of glycosylation, type 1aa. Identifiers: MedGen C4310727, MONDO:0014904, OMIM 617082.

Submission:

Labcorp Genetics (formerly Invitae), Labcorp
Classification: Pathogenic for Congenital disorder of glycosylation, type Iaa. Last evaluated: 2023-07-27. Review status: criteria provided, single submitter. Criteria: Invitae Variant Classification Sherloc (09022015). Collection method: clinical testing. Allele origin: germline.
Comment: For these reasons, this variant has been classified as Pathogenic. This variant has not been reported in the literature in individuals affected with NUS1-related conditions. This variant is not present in population databases (gnomAD no frequency). This sequence change creates a premature translational stop signal (p.Leu94Trpfs*27) in the NUS1 gene. It is expected to result in an absent or disrupted protein product. Loss-of-function variants in NUS1 are known to be pathogenic (PMID: 29100083).

Literature cited by the submitters: PubMed 29100083.